The following is an entry in ClinVar:

ClinVar aggregate classification (germline): Uncertain significance (1 of 4 stars; one submission).

Allele frequency attached by ClinVar (database versions not stated): TOPMed 0.00001; ExAC 0.00003; gnomAD 0.00001.
gnomAD v4.1: 10 of 1,568,996 alleles (0.00064%); highest among the groups gnomAD compares: Admixed American, 0.0061%; no homozygotes.

Submission:

Labcorp Genetics (formerly Invitae), Labcorp
Classification: Uncertain significance. Last evaluated: 2024-07-24. Review status: criteria provided, single submitter. Criteria: Invitae Variant Classification Sherloc (09022015). Collection method: clinical testing. Allele origin: germline.
Comment: This sequence change replaces arginine, which is basic and polar, with glutamine, which is neutral and polar, at codon 630 of the DHX32 protein (p.Arg630Gln). This variant is present in population databases (rs781191427, gnomAD 0.008%). This variant has not been reported in the literature in individuals affected with DHX32-related conditions. ClinVar contains an entry for this variant (Variation ID: 1927196). An algorithm developed to predict the effect of missense changes on protein structure and function (PolyPhen-2) suggests that this variant is likely to be disruptive. In summary, the available evidence is currently insufficient to determine the role of this variant in disease. Therefore, it has been classified as a Variant of Uncertain Significance.

NM_018180.3(DHX32):c.1889G>A (p.Arg630Gln)

Genes: BCCIP (BRCA2 and CDKN1A interacting protein; plus strand), DHX32 (DEAH-box helicase 32 (putative); minus strand). Cytogenetic location: 10q26.2.
Variant type: single nucleotide variant.
Coding change: c.1889G>A on transcript NM_018180.3 (MANE Select); coding-DNA position 1889, G replaced by A.
Protein change: p.Arg630Gln; replaces arginine 630 with glutamine.
Molecular consequence: missense variant. On other transcripts: intron variant (2).
Genome position (GRCh38, 1-based): chr10:125,838,380, C>T on the plus strand (G>A on the coding strand, the complement: DHX32 is on the minus strand). VCF-style: chr10-125838380-C-T. GRCh37 (hg19) VCF-style: chr10-127526949-C-T.
Other names: c.775-2875C>T (NM_016567.4, NM_078469.3); short protein forms R630Q.
Identifiers: ClinVar variation 1927196 (VCV001927196.4), dbSNP rs781191427, ClinGen allele CA5739014.
Genomic context (GRCh38, chr10:125,838,380, plus strand): 5'-TGCAGCTGAGCAACCTGCTTATGTGTCAGCATTAAGTAGTTACCTGATCCATCAACATCC[C>T]GAGCAATCTGAAAGGCAGAATTTTAAAGAAAAAAGATTTTGTATTAATATGGAGATCATT-3'
Protein context (NP_060650.2, residues 620-640): LLSGYFMQIA[Arg630Gln]DVDGSGNYLM